The following is an entry in ClinVar:

NM_032638.5(GATA2):c.248A>C (p.Gln83Pro)

Gene: GATA2 (GATA binding protein 2; minus strand). Cytogenetic location: 3q21.3.
Variant type: single nucleotide variant.
Coding change: c.248A>C on transcript NM_032638.5 (MANE Select); coding-DNA position 248, A replaced by C.
Protein change: p.Gln83Pro; replaces glutamine 83 with proline.
Molecular consequence: missense variant.
Genome position (GRCh38, 1-based): chr3:128,486,350, T>G on the plus strand (A>C on the coding strand, the complement: GATA2 is on the minus strand). VCF-style: chr3-128486350-T-G. GRCh37 (hg19) VCF-style: chr3-128205193-T-G.
Other names: c.248A>C, p.Gln83Pro (NM_001145661.2, NM_001145662.1); short protein forms Q83P.
Identifiers: ClinVar variation 948869 (VCV000948869.9), dbSNP rs1426636606, ClinGen allele CA354407872.

ClinVar aggregate classification (germline): Uncertain significance (1 of 4 stars; one submission).

Conditions:
Deafness-lymphedema-leukemia syndrome. Also called: Emberger syndrome; Lymphedema, primary, with myelodysplasia. Identifiers: Orphanet 3226, MedGen C3279664, MONDO:0013540, OMIM 614038.
Monocytopenia with susceptibility to infections. Also called: IMMUNODEFICIENCY 21; GATA2 DEFICIENCY; MONOCYTOPENIA AND MYCOBACTERIAL INFECTION SYNDROME; MONOCYTOPENIA WITH SUSCEPTIBILITY TO MYCOBACTERIAL, FUNGAL, AND PAPILLOMAVIRUS INFECTIONS AND MYELODYSPLASIA; COMBINED IMMUNODEFICIENCY WITH SUSCEPTIBILITY TO MYCOBACTERIAL, VIRAL, AND FUNGAL INFECTIONS; Dendritic cell, monocyte, B lymphocyte, and natural killer lymphocyte deficiency. Identifiers: Orphanet 228423, MedGen C3280030, MONDO:0013607, OMIM 614172.

Allele frequency attached by ClinVar (database versions not stated): TOPMed below 0.00001; gnomAD 0.00001.
gnomAD v4.1: 1 of 1,601,896 alleles (0.000062%); highest among the groups gnomAD compares: Admixed American, 0.0017%; no homozygotes.

Submission:

Labcorp Genetics (formerly Invitae), Labcorp
Classification: Uncertain significance for Monocytopenia with susceptibility to infections; Deafness-lymphedema-leukemia syndrome. Last evaluated: 2022-11-16. Review status: criteria provided, single submitter. Criteria: Invitae Variant Classification Sherloc (09022015). Collection method: clinical testing. Allele origin: germline.
Comment: This sequence change replaces glutamine, which is neutral and polar, with proline, which is neutral and non-polar, at codon 83 of the GATA2 protein (p.Gln83Pro). ClinVar contains an entry for this variant (Variation ID: 948869). This variant has not been reported in the literature in individuals affected with GATA2-related conditions. This variant is not present in population databases (gnomAD no frequency). In summary, the available evidence is currently insufficient to determine the role of this variant in disease. Therefore, it has been classified as a Variant of Uncertain Significance. Advanced modeling of protein sequence and biophysical properties (such as structural, functional, and spatial information, amino acid conservation, physicochemical variation, residue mobility, and thermodynamic stability) has been performed at Invitae for this missense variant, however the output from this modeling did not meet the statistical confidence thresholds required to predict the impact of this variant on GATA2 protein function.